The following is an entry in ClinVar:

NM_006005.3(WFS1):c.398C>T (p.Ala133Val)

Gene: WFS1 (wolframin ER transmembrane glycoprotein; plus strand). Cytogenetic location: 4p16.1.
Variant type: single nucleotide variant.
Coding change: c.398C>T on transcript NM_006005.3 (MANE Select); coding-DNA position 398, C replaced by T.
Protein change: p.Ala133Val; replaces alanine 133 with valine.
Molecular consequence: missense variant.
Genome position (GRCh38, 1-based): chr4:6,289,069, C>T. VCF-style: chr4-6289069-C-T. GRCh37 (hg19) VCF-style: chr4-6290796-C-T.
Other names: c.398C>T, p.Ala133Val (NM_001145853.1); short protein forms A133V.
Identifiers: ClinVar variation 3633039 (VCV003633039.2).

ClinVar aggregate classification (germline): Uncertain significance (1 of 4 stars; one submission).

Submission:

Labcorp Genetics (formerly Invitae), Labcorp
Classification: Uncertain significance. Last evaluated: 2024-01-21. Review status: criteria provided, single submitter. Criteria: Invitae Variant Classification Sherloc (09022015). Collection method: clinical testing. Allele origin: germline.
Comment: This sequence change replaces alanine, which is neutral and non-polar, with valine, which is neutral and non-polar, at codon 133 of the WFS1 protein (p.Ala133Val). This variant is not present in population databases (gnomAD no frequency). This variant has not been reported in the literature in individuals affected with WFS1-related conditions. Advanced modeling of protein sequence and biophysical properties (such as structural, functional, and spatial information, amino acid conservation, physicochemical variation, residue mobility, and thermodynamic stability) has been performed at Invitae for this missense variant, however the output from this modeling did not meet the statistical confidence thresholds required to predict the impact of this variant on WFS1 protein function. This variant disrupts the p.Ala133 amino acid residue in WFS1. Other variant(s) that disrupt this residue have been determined to be pathogenic (PMID: 15605410, 16151413). This suggests that this residue is clinically significant, and that variants that disrupt this residue are likely to be disease-causing. In summary, the available evidence is currently insufficient to determine the role of this variant in disease. Therefore, it has been classified as a Variant of Uncertain Significance.

Literature cited by the submitters: PubMed 15605410; PubMed 16151413.